The following is an entry in ClinVar:

NM_001386135.1(AFF3):c.2061G>A (p.Glu687=)

Gene: AFF3 (ALF transcription elongation factor 3; minus strand). Cytogenetic location: 2q11.2.
Variant type: single nucleotide variant.
Coding change: c.2061G>A on transcript NM_001386135.1 (MANE Select); coding-DNA position 2061, G replaced by A.
Protein change: p.Glu687=; no amino-acid change (glutamic acid 687 retained).
Molecular consequence: synonymous variant.
Genome position (GRCh38, 1-based): chr2:99,593,600, C>T on the plus strand (G>A on the coding strand, the complement: AFF3 is on the minus strand). VCF-style: chr2-99593600-C-T. GRCh37 (hg19) VCF-style: chr2-100210062-C-T.
Other names: c.2136G>A, p.Glu712= (NM_001025108.2); c.2061G>A, p.Glu687= (NM_002285.3).
Identifiers: ClinVar variation 3041817 (VCV003041817.2), dbSNP rs750084980, ClinGen allele CA1800979.

ClinVar aggregate classification (germline): Likely benign (0 of 4 stars; one submission).

Conditions:
AFF3-related disorder. Also called: AFF3-related condition.

Allele frequency attached by ClinVar (database versions not stated): ExAC 0.00003; gnomAD 0.00003; TOPMed 0.00003.
gnomAD v4.1: 24 of 1,612,038 alleles (0.0015%); highest among the groups gnomAD compares: Non-Finnish European, 0.002%; no homozygotes.

Submission:

PreventionGenetics, part of Exact Sciences
Classification: Likely benign for AFF3-related condition. Last evaluated: 2019-05-10. Review status: no assertion criteria provided. Collection method: clinical testing. Allele origin: germline.
Comment: This variant is classified as likely benign based on ACMG/AMP sequence variant interpretation guidelines (Richards et al. 2015 PMID: 25741868, with internal and published modifications).